The following is an entry in ClinVar:

NM_000020.3(ACVRL1):c.1345C>T (p.Pro449Ser)

Gene: ACVRL1 (activin A receptor like type 1; plus strand). Cytogenetic location: 12q13.13.
Variant type: single nucleotide variant.
Coding change: c.1345C>T on transcript NM_000020.3 (MANE Select); coding-DNA position 1345, C replaced by T.
Protein change: p.Pro449Ser; replaces proline 449 with serine.
Molecular consequence: missense variant.
Genome position (GRCh38, 1-based): chr12:51,919,083, C>T. VCF-style: chr12-51919083-C-T. GRCh37 (hg19) VCF-style: chr12-52312867-C-T.
Other names: c.1345C>T, p.Pro449Ser (NM_001077401.2); short protein forms P449S.
Identifiers: ClinVar variation 856919 (VCV000856919.7), dbSNP rs1940908457, ClinGen allele CA384904319.

ClinVar aggregate classification (germline): Pathogenic (1 of 4 stars; one submission).

Conditions:
Telangiectasia, hereditary hemorrhagic, type 2 (HHT2). Also called: ACVRL1-Related Hereditary Hemorrhagic Telangiectasia; Telangiectasia, hereditary hemorrhagic, type II. Identifiers: Orphanet 774, MedGen C1838163, MONDO:0010880, OMIM 600376. Disease mechanism: loss of function.

Submission:

Labcorp Genetics (formerly Invitae), Labcorp
Classification: Pathogenic for Telangiectasia, hereditary hemorrhagic, type 2. Last evaluated: 2026-02-03. Review status: criteria provided, single submitter. Criteria: Invitae Variant Classification Sherloc (09022015). Collection method: clinical testing. Allele origin: germline.
Comment: This sequence change replaces proline, which is neutral and non-polar, with serine, which is neutral and polar, at codon 449 of the ACVRL1 protein (p.Pro449Ser). This variant is not present in population databases (gnomAD no frequency). This missense change has been observed in individual(s) with hereditary hemorrhagic telangiectasia (PMID: 20414677; internal data). It has also been observed to segregate with disease in related individuals. ClinVar contains an entry for this variant (Variation ID: 856919). Invitae Evidence Modeling of protein sequence and biophysical properties (such as structural, functional, and spatial information, amino acid conservation, physicochemical variation, residue mobility, and thermodynamic stability) indicates that this missense variant is expected to disrupt ACVRL1 protein function with a positive predictive value of 95%. This variant disrupts the p.Pro449 amino acid residue in ACVRL1. Other variant(s) that disrupt this residue have been observed in individuals with ACVRL1-related conditions (PMID: 16542389, 18673552), which suggests that this may be a clinically significant amino acid residue. For these reasons, this variant has been classified as Pathogenic.

Literature cited by the submitters: PubMed 20414677; PubMed 16542389; PubMed 18673552.